The following is an entry in ClinVar:

ClinVar aggregate classification (germline): Uncertain significance (1 of 4 stars; one submission).

Submission:

GeneDx
Classification: Uncertain significance. Last evaluated: 2025-07-30. Review status: criteria provided, single submitter. Criteria: GeneDx Variant Classification Process June 2021. Collection method: clinical testing. Allele origin: germline. Affected: yes.
Comment: Not observed at significant frequency in large population cohorts (gnomAD); Has not been previously published as pathogenic or benign to our knowledge; Nonsense variant predicted to result in protein truncation as the last 102 amino acid(s) are lost with an unclear effect on protein function

NM_018008.4(FEZF2):c.1074C>G (p.Tyr358Ter)

Gene: FEZF2 (FEZ family zinc finger 2; minus strand). Cytogenetic location: 3p14.2.
Variant type: single nucleotide variant.
Coding change: c.1074C>G on transcript NM_018008.4 (MANE Select); coding-DNA position 1074, C replaced by G.
Protein change: p.Tyr358Ter; replaces tyrosine 358 with a stop codon.
Molecular consequence: nonsense.
Genome position (GRCh38, 1-based): chr3:62,371,263, G>C on the plus strand (C>G on the coding strand, the complement: FEZF2 is on the minus strand). VCF-style: chr3-62371263-G-C. GRCh37 (hg19) VCF-style: chr3-62356938-G-C.
Other names: short protein forms Y358*.
Identifiers: ClinVar variation 4689959 (VCV004689959.1).